The following is an entry in ClinVar:

ClinVar aggregate classification (germline): Pathogenic. Review status: criteria provided, multiple submitters, no conflicts (2 of 4 stars). 2 submissions from 2 submitters: Pathogenic (2). Last evaluated 2026-07-01.

Conditions:
Hereditary spastic paraplegia 50 (SPG50). Also called: Spastic paraplegia 50, autosomal recessive. Identifiers: Orphanet 280763, MedGen C2752008, MONDO:0013048, OMIM 612936.

Allele frequency attached by ClinVar (database versions not stated): gnomAD exomes below 0.00001.

Submissions (2):

CeGaT Center for Human Genetics Tuebingen
Classification: Pathogenic. Last evaluated: 2026-07-01. Review status: criteria provided, single submitter. Criteria: CeGaT Center For Human Genetics Tuebingen Variant Classification Criteria Version 2. Collection method: clinical testing. Allele origin: germline. Affected: yes. Observed: 1 variant allele.
Comment: AP4M1: PVS1, PM2

Victorian Clinical Genetics Services, Murdoch Childrens Research Institute
Classification: Pathogenic for Hereditary spastic paraplegia 50. Last evaluated: 2022-06-24. Review status: criteria provided, single submitter. Criteria: ACMG Guidelines, 2015. Collection method: clinical testing. Allele origin: germline. Inheritance: Autosomal recessive inheritance. Affected: no.
Comment: Based on the classification scheme VCGS_Germline_v1.3.4, this variant is classified as Pathogenic. Following criteria are met: 0102 - Loss of function is a known mechanism of disease in this gene and is associated with spastic paraplegia 50 (MIM#612936). (I) 0106 - This gene is associated with autosomal recessive disease. (I) 0201 - Variant is predicted to cause nonsense-mediated decay (NMD) and loss of protein (premature termination codon is located at least 54 nucleotides upstream of the final exon-exon junction). (SP) 0251 - This variant is heterozygous. (I) 0301 - Variant is absent from gnomAD (both v2 and v3). (SP) 0701 - Other NMD-predicted variants comparable to the one identified in this case have very strong previous evidence for pathogenicity. These variants have been reported many times as pathogenic and observed in individuals with spastic paraplegia (DECIPHER, PMID: 34087981). (SP) 0807 - This variant has no previous evidence of pathogenicity. (I) 0905 - No published segregation evidence has been identified for this variant. (I) 1007 - No published functional evidence has been identified for this variant. (I) 1208 - Inheritance information for this variant is not currently available in this individual. (I) Legend: (SP) - Supporting pathogenic, (I) - Information, (SB) - Supporting benign

Literature cited by the submitters: PubMed 34087981 (cited by Victorian Clinical Genetics Services, Murdoch Childrens Research Institute).

NM_004722.4(AP4M1):c.1012del (p.Arg338fs)

Gene: AP4M1 (adaptor related protein complex 4 subunit mu 1; plus strand). Cytogenetic location: 7q22.1.
Variant type: Deletion.
Coding change: c.1012del on transcript NM_004722.4 (MANE Select); coding-DNA position 1012, one base deleted (C; older notation c.1012delC).
Protein change: p.Arg338fs; shifts the reading frame from arginine 338.
Molecular consequence: frameshift variant.
Genome position (GRCh38, 1-based): chr7:100,106,278, C deleted. VCF-style (leftmost placement, unchanged base first): chr7-100106277-TC-T. GRCh37 (hg19) VCF-style: chr7-99703900-TC-T.
Other names: c.1033del, p.Arg345fs (NM_001363671.2); short protein forms R338fs, R345fs.
Identifiers: ClinVar variation 1699331 (VCV001699331.4), dbSNP rs2116668499, ClinGen allele CA2573130283.